The following is an entry in ClinVar:

NM_033109.5(PNPT1):c.976+1G>T

Gene: PNPT1 (polyribonucleotide nucleotidyltransferase 1; minus strand). Cytogenetic location: 2p16.1.
Variant type: single nucleotide variant.
Coding change: c.976+1G>T on transcript NM_033109.5 (MANE Select); the canonical splice donor site of the intron after coding-DNA position 976, G replaced by T.
Molecular consequence: splice donor variant.
Genome position (GRCh38, 1-based): chr2:55,671,318, C>A on the plus strand (G>T on the coding strand, the complement: PNPT1 is on the minus strand). VCF-style: chr2-55671318-C-A. GRCh37 (hg19) VCF-style: chr2-55898453-C-A.
Identifiers: ClinVar variation 2960330 (VCV002960330.3), dbSNP rs2529569771, ClinGen allele CA346931275.
Genomic context (GRCh38, chr2:55,671,318, plus strand): 5'-GGCCATGCCTTATTAAAGCTGCCCTCAGCAAAAAAATAAAATAAAATAAAATAAAATTTA[C>A]CTTTTAGTTGTTCCTCCGTATCTAATCTTATTTTGTTAACAGCTTCATCTCTGGAAACCT-3'

ClinVar aggregate classification (germline): Likely pathogenic (1 of 4 stars; one submission).

Submission:

Labcorp Genetics (formerly Invitae), Labcorp
Classification: Likely pathogenic. Last evaluated: 2025-03-06. Review status: criteria provided, single submitter. Criteria: Invitae Variant Classification Sherloc (09022015). Collection method: clinical testing. Allele origin: germline.
Comment: This sequence change affects a donor splice site in intron 11 of the PNPT1 gene. It is expected to disrupt RNA splicing. Variants that disrupt the donor or acceptor splice site typically lead to a loss of protein function (PMID: 16199547), and loss-of-function variants in PNPT1 are known to be pathogenic (PMID: 28594066, 30244537). This variant is not present in population databases (gnomAD no frequency). This variant has not been reported in the literature in individuals affected with PNPT1-related conditions. ClinVar contains an entry for this variant (Variation ID: 2960330). Algorithms developed to predict the effect of sequence changes on RNA splicing suggest that this variant may disrupt the consensus splice site. In summary, the currently available evidence indicates that the variant is pathogenic, but additional data are needed to prove that conclusively. Therefore, this variant has been classified as Likely Pathogenic.

Literature cited by the submitters: PubMed 16199547; PubMed 28594066; PubMed 30244537.